The following is an entry in ClinVar:

ClinVar aggregate classification (germline): Benign/Likely benign. Review status: criteria provided, multiple submitters, no conflicts (2 of 4 stars). 4 submissions from 4 submitters: Benign (2); Likely benign (1). 1 of the submissions does not count toward it. Last evaluated 2026-01-19.

Conditions:
PIEZO1-related disorder. Also called: PIEZO1-related condition; PIEZO1-Related Disorders.

Allele frequency attached by ClinVar (database versions not stated): ESP Exome Variant Server 0.00044; ExAC 0.00098; TOPMed 0.00318; gnomAD exomes 0.00381; 1000 Genomes Project 30x 0.00531; 1000 Genomes Project 0.00659.
gnomAD v4.1: 1,583 of 1,549,436 alleles (0.1%); highest among the groups gnomAD compares: Admixed American, 1.7%; 24 homozygotes.

Submissions (4):

Labcorp Genetics (formerly Invitae), Labcorp
Classification: Benign. Last evaluated: 2026-01-19. Review status: criteria provided, single submitter. Criteria: Invitae Variant Classification Sherloc (09022015). Collection method: clinical testing. Allele origin: germline.

ARUP Laboratories, Molecular Genetics and Genomics, ARUP Laboratories
Classification: Benign. Last evaluated: 2025-06-27. Review status: criteria provided, single submitter. Criteria: ARUP Molecular Germline Variant Investigation Process 2024. Collection method: clinical testing. Allele origin: germline.

Mayo Clinic Laboratories, Mayo Clinic
Classification: Likely benign. Last evaluated: 2025-05-30. Review status: criteria provided, single submitter. Criteria: ACMG Guidelines, 2015. Collection method: clinical testing. Allele origin: germline. Observed: 10 variant alleles.

PreventionGenetics, part of Exact Sciences
Classification: Benign for PIEZO1-related condition. Last evaluated: 2019-03-06. Review status: no assertion criteria provided. Collection method: clinical testing. Allele origin: germline. Not counted in ClinVar's aggregate classification.
Comment: This variant is classified as benign based on ACMG/AMP sequence variant interpretation guidelines (Richards et al. 2015 PMID: 25741868, with internal and published modifications).

NM_001142864.4(PIEZO1):c.5802-4G>A

Gene: PIEZO1 (piezo type mechanosensitive ion channel component 1 (Er blood group); minus strand). Cytogenetic location: 16q24.3.
Variant type: single nucleotide variant.
Coding change: c.5802-4G>A on transcript NM_001142864.4 (MANE Select); 4 bases into the intron before coding-DNA position 5802, G replaced by A.
Molecular consequence: intron variant.
Genome position (GRCh38, 1-based): chr16:88,720,536, C>T on the plus strand (G>A on the coding strand, the complement: PIEZO1 is on the minus strand). VCF-style: chr16-88720536-C-T. GRCh37 (hg19) VCF-style: chr16-88786944-C-T.
Other names: p.?.
Identifiers: ClinVar variation 718572 (VCV000718572.25), dbSNP rs149342271, ClinGen allele CA8231766.